The following is an entry in ClinVar:

NM_000540.3(RYR1):c.9305A>G (p.Asp3102Gly)

Gene: RYR1 (ryanodine receptor 1; plus strand). Cytogenetic location: 19q13.2.
Variant type: single nucleotide variant.
Coding change: c.9305A>G on transcript NM_000540.3 (MANE Select); coding-DNA position 9305, A replaced by G.
Protein change: p.Asp3102Gly; replaces aspartic acid 3102 with glycine.
Molecular consequence: missense variant.
Genome position (GRCh38, 1-based): chr19:38,512,316, A>G. VCF-style: chr19-38512316-A-G. GRCh37 (hg19) VCF-style: chr19-39002956-A-G.
Other names: c.9305A>G, p.Asp3102Gly (NM_001042723.2); short protein forms D3102G.
Identifiers: ClinVar variation 1020721 (VCV001020721.8), dbSNP rs1970766556, ClinGen allele CA084523.
Genomic context (GRCh38, chr19:38,512,316, plus strand): 5'-AGTCAGGCCCTGAGATCGTGAAGGCTGGCCTCCGCTCCTTCTTCGAGAGTGCCTCGGAGG[A>G]CATCGAGAAGATGGTGGAGAACCTGCGGCTGGGCAAGGTGTCGCAGGCGCGCACCCAGGT-3'
Protein context (NP_000531.2, residues 3092-3112): LRSFFESASE[Asp3102Gly]IEKMVENLRL

ClinVar aggregate classification (germline): Uncertain significance. Review status: criteria provided, multiple submitters, no conflicts (2 of 4 stars). 3 submissions from 3 submitters: Uncertain significance (3). Last evaluated 2024-08-06.

Conditions:
RYR1-related disorder. Also called: RYR1-related disorders; RYR1-related condition. Identifiers: MedGen CN239331.
Malignant hyperthermia, susceptibility to, 1 (MHS1). Also called: RYR1-Related Malignant Hyperthermia Susceptibility; Malignant hyperthermia suceptibility 1; Anesthesia related hyperthermia; Malignant hyperpyrexia; Fulminating hyperpyrexia; Pharmacogenic myopathy. Identifiers: Orphanet 423, MedGen C2930980, MONDO:0007783, OMIM 145600.
Congenital multicore myopathy with external ophthalmoplegia (CMYO1B). Also called: Minicore myopathy with external ophthalmoplegia; MULTIMINICORE DISEASE WITH EXTERNAL OPHTHALMOPLEGIA; Congenital myopathy 1B, autosomal recessive; Minicore myopathy; MULTICORE MYOPATHY. Identifiers: Orphanet 598, Orphanet 98905, MedGen C1850674, MONDO:0009712, OMIM 255320, HP:0003789.
King Denborough syndrome (KDS). Identifiers: MedGen C1840365, MONDO:0020485, OMIM 619542.
Congenital myopathy with fiber type disproportion. Also called: Congenital fiber-type disproportion; Congenital fiber-type disproportion myopathy. Identifiers: Orphanet 2020, MedGen C0546264, MONDO:0009711. Inheritance: all.
Central core myopathy (CMYO1A). Also called: Central core disease; Myopathy, central fibrillar; CONGENITAL MYOPATHY 1A, AUTOSOMAL DOMINANT, WITH SUSCEPTIBILITY TO MALIGNANT HYPERTHERMIA. Identifiers: Orphanet 597, MedGen C5830701, MONDO:0007294, OMIM 117000.

Allele frequency attached by ClinVar (database versions not stated): gnomAD exomes below 0.00001; gnomAD 0.00001; TOPMed 0.00001.
gnomAD v4.1: 4 of 1,614,066 alleles (0.00025%); highest among the groups gnomAD compares: Admixed American, 0.0017%; no homozygotes.

Submissions (3):

All of Us Research Program, National Institutes of Health
Classification: Uncertain significance for Malignant hyperthermia, susceptibility to, 1. Last evaluated: 2024-08-06. Review status: criteria provided, single submitter. Criteria: ACMG Guidelines, 2015. Collection method: clinical testing. Allele origin: germline. Inheritance: Autosomal dominant inheritance. Observed: 1 variant allele, 1 heterozygote.
Comment: This study involves interpretation of variants in research participants for the purpose of population health screening. Participant phenotype was not available at the time of variant classification. Additional details can be found in publication PMID: 35346344, PMCID: PMC8962531

Fulgent Genetics
Classification: Uncertain significance for Central core myopathy; Malignant hyperthermia, susceptibility to, 1; Congenital myopathy 4A, autosomal dominant; Congenital multicore myopathy with external ophthalmoplegia; King Denborough syndrome. Last evaluated: 2021-10-29. Review status: criteria provided, single submitter. Criteria: ACMG Guidelines, 2015. Collection method: clinical testing. Allele origin: unknown.

Labcorp Genetics (formerly Invitae), Labcorp
Classification: Uncertain significance for RYR1-related disorder. Last evaluated: 2021-08-24. Review status: criteria provided, single submitter. Criteria: Invitae Variant Classification Sherloc (09022015). Collection method: clinical testing. Allele origin: germline.
Comment: This sequence change replaces aspartic acid with glycine at codon 3102 of the RYR1 protein (p.Asp3102Gly). The aspartic acid residue is highly conserved and there is a moderate physicochemical difference between aspartic acid and glycine. This variant is not present in population databases (ExAC no frequency). This variant has not been reported in the literature in individuals affected with RYR1-related conditions. Algorithms developed to predict the effect of missense changes on protein structure and function are either unavailable or do not agree on the potential impact of this missense change (SIFT: "Deleterious"; PolyPhen-2: "Benign"; Align-GVGD: "Class C0"). In summary, the available evidence is currently insufficient to determine the role of this variant in disease. Therefore, it has been classified as a Variant of Uncertain Significance.